The following is an entry in ClinVar:

ClinVar aggregate classification (germline): Pathogenic/Likely pathogenic. Review status: criteria provided, multiple submitters, no conflicts (2 of 4 stars). 7 submissions from 7 submitters: Pathogenic (4); Likely pathogenic (2). 1 of the submissions does not count toward it. Last evaluated 2025-12-11.

Conditions:
TSC2-related disorder. Also called: TSC2-Related Disorders; TSC2-related condition.
Tuberous sclerosis syndrome (TSC). Also called: Tuberous Sclerosis Complex; Tuberous sclerosis. Identifiers: Orphanet 805, MedGen C0041341, MONDO:0001734.
Tuberous sclerosis 2 (TSC2). Identifiers: Orphanet 805, MedGen C1860707, MONDO:0013199, OMIM 613254.

Submissions (7):

Medical and Scientific Branch, Hong Kong Genome Institute
Classification: Pathogenic for Tuberous sclerosis 2. Last evaluated: 2025-12-11. Review status: criteria provided, single submitter. Criteria: ACMG Guidelines, 2015. Collection method: clinical testing. Allele origin: de novo. Affected: yes.

Genetic Services Laboratory, University of Chicago
Classification: Likely pathogenic. Last evaluated: 2024-04-30. Review status: criteria provided, single submitter. Criteria: ACMG Guidelines, 2015. Collection method: clinical testing. Allele origin: germline. Affected: yes.
Comment: DNA sequence analysis of the TSC2 gene demonstrated a sequence change, c.2647C>T, which results in the creation of a premature stop codon at amino acid position 883, p.Gln883*. This pathogenic sequence change is predicted to result in an abnormal transcript, which may be degraded, or may lead to the production of a truncated TSC2 protein with potentially abnormal function. This sequence change has not been described in population databases such as ExAC and gnomAD. This pathogenic sequence change has previously been described in the mosaic state in an individual with clinical features of TSC (PMID: 26540169). These collective evidences indicate that this sequence change is likely pathogenic, however functional studies have not been performed to prove this conclusively.

GeneDx
Classification: Pathogenic. Last evaluated: 2022-06-15. Review status: criteria provided, single submitter. Criteria: GeneDx Variant Classification Process June 2021. Collection method: clinical testing. Allele origin: germline. Affected: yes.
Comment: Nonsense variant predicted to result in protein truncation or nonsense mediated decay in a gene for which loss of function is a known mechanism of disease; Not observed at significant frequency in large population cohorts (gnomAD); Truncating variants in this gene are considered pathogenic by a well-established clinical consortium and/or database; This variant is associated with the following publications: (PMID: 24271014, 31160751, 32017698, 26540169)

Blueprint Genetics
Classification: Pathogenic for TSC2-related disorders. Last evaluated: 2021-08-10. Review status: criteria provided, single submitter. Criteria: ACMG Guidelines, 2015. Collection method: clinical testing. Allele origin: germline. Affected: yes. Observed: 1 variant allele.

Labcorp Genetics (formerly Invitae), Labcorp
Classification: Pathogenic for Tuberous sclerosis 2. Last evaluated: 2021-03-02. Review status: criteria provided, single submitter. Criteria: Invitae Variant Classification Sherloc (09022015). Collection method: clinical testing. Allele origin: germline.
Comment: This sequence change creates a premature translational stop signal (p.Gln883*) in the TSC2 gene. It is expected to result in an absent or disrupted protein product. Loss-of-function variants in TSC2 are known to be pathogenic (PMID: 10205261, 17304050). This variant is not present in population databases (ExAC no frequency). This variant has been observed in individual(s) with clinical features of tuberous sclerosis complex (PMID: 26540169). ClinVar contains an entry for this variant (Variation ID: 49580). For these reasons, this variant has been classified as Pathogenic.

Institute of Human Genetics, University of Leipzig Medical Center
Classification: Likely pathogenic for Tuberous sclerosis 2. Last evaluated: 2019-01-22. Review status: criteria provided, single submitter. Criteria: ACMG Guidelines, 2015. Collection method: clinical testing. Allele origin: germline. Affected: yes. Observed: 1 variant allele.

Tuberous sclerosis database (TSC2)
No classification provided. Condition: TSC. Review status: no classification provided. Criteria: Tuberous Sclerosis Database Assertion Criteria 2015. Collection method: curation. Allele origin: germline. Affected: yes. Not counted in ClinVar's aggregate classification.

Literature cited by the submitters: PubMed 10205261 (cited by Labcorp Genetics (formerly Invitae), Labcorp); PubMed 17304050 (cited by Labcorp Genetics (formerly Invitae), Labcorp); PubMed 26540169 (cited by Labcorp Genetics (formerly Invitae), Labcorp).

NM_000548.5(TSC2):c.2647C>T (p.Gln883Ter)

Gene: TSC2 (TSC complex subunit 2; plus strand). Cytogenetic location: 16p13.3.
Variant type: single nucleotide variant.
Coding change: c.2647C>T on transcript NM_000548.5 (MANE Select); coding-DNA position 2647, C replaced by T.
Protein change: p.Gln883Ter; replaces glutamine 883 with a stop codon.
Molecular consequence: nonsense.
Genome position (GRCh38, 1-based): chr16:2,076,075, C>T. VCF-style: chr16-2076075-C-T. GRCh37 (hg19) VCF-style: chr16-2126076-C-T.
Other names: c.2647C>T, p.Gln883Ter (NM_001077183.3, NM_001114382.3, NM_001363528.2 and 3 more transcripts); c.2536C>T, p.Gln846Ter (NM_001318827.2); c.2500C>T, p.Gln834Ter (NM_001318829.2); c.2047C>T, p.Gln683Ter (NM_001318831.2); c.2680C>T, p.Gln894Ter (NM_001318832.2); short protein forms Q883*, Q834*, Q846*, Q683*, Q894*.
Identifiers: ClinVar variation 49580 (VCV000049580.16), dbSNP rs45476100, ClinGen allele CA017805.